The following is an entry in ClinVar:

ClinVar aggregate classification (germline): Pathogenic/Likely pathogenic. Review status: criteria provided, multiple submitters, no conflicts (2 of 4 stars). 2 submissions from 2 submitters: Pathogenic (1); Likely pathogenic (1). Last evaluated 2025-09-02.

Conditions:
Pontocerebellar hypoplasia, type 1D. Identifiers: MedGen C4748058, MONDO:0054844, OMIM 618065.

Allele frequency attached by ClinVar (database versions not stated): gnomAD exomes 0.00001; gnomAD 0.00003.

Submissions (2):

Variantyx, Inc.
Classification: Likely pathogenic for Pontocerebellar hypoplasia, type 1D. Last evaluated: 2025-09-02. Review status: criteria provided, single submitter. Criteria: Variantyx Assertion Criteria 2022. Collection method: clinical testing. Allele origin: germline. Inheritance: Autosomal recessive inheritance. Affected: no.
Comment: This is a nonsense variant in the EXOSC9 gene (OMIM: 606180). Pathogenic variants in this gene have been associated with autosomal recessive pontocerebellar hypoplasia type 1D. This variant introduces a premature termination codon in exon 7 out of 12 and is expected to result in loss of function, which is a known disease mechanism for EXOSC9 in this disorder (PMID: 29727687, 33040083) (PVS1). This variant has a 0.0012% maximum allele frequency in non-founder control populations (PM2). Based on the current evidence, this variant is classified as likely pathogenic for autosomal recessive pontocerebellar hypoplasia type 1D.

Labcorp Genetics (formerly Invitae), Labcorp
Classification: Pathogenic. Last evaluated: 2024-05-18. Review status: criteria provided, single submitter. Criteria: Invitae Variant Classification Sherloc (09022015). Collection method: clinical testing. Allele origin: germline.
Comment: This sequence change creates a premature translational stop signal (p.Arg229*) in the EXOSC9 gene. It is expected to result in an absent or disrupted protein product. Loss-of-function variants in EXOSC9 are known to be pathogenic (PMID: 29727687, 33040083). This variant is present in population databases (no rsID available, gnomAD 0.004%). This variant has not been reported in the literature in individuals affected with EXOSC9-related conditions. ClinVar contains an entry for this variant (Variation ID: 1397502). Algorithms developed to predict the effect of sequence changes on RNA splicing suggest that this variant may disrupt the consensus splice site. For these reasons, this variant has been classified as Pathogenic.

Literature cited by the submitters: PubMed 29727687 (cited by Variantyx, Inc. and Labcorp Genetics (formerly Invitae), Labcorp); PubMed 33040083 (cited by Variantyx, Inc. and Labcorp Genetics (formerly Invitae), Labcorp).

NM_005033.3(EXOSC9):c.685C>T (p.Arg229Ter)

Gene: EXOSC9 (exosome component 9; plus strand). Cytogenetic location: 4q27.
Variant type: single nucleotide variant.
Coding change: c.685C>T on transcript NM_005033.3 (MANE Select); coding-DNA position 685, C replaced by T.
Protein change: p.Arg229Ter; replaces arginine 229 with a stop codon.
Molecular consequence: nonsense.
Genome position (GRCh38, 1-based): chr4:121,810,046, C>T. VCF-style: chr4-121810046-C-T. GRCh37 (hg19) VCF-style: chr4-122731201-C-T.
Other names: c.685C>T, p.Arg229Ter (NM_001034194.2); short protein forms R229*.
Identifiers: ClinVar variation 1397502 (VCV001397502.6), dbSNP rs935979786, ClinGen allele CA358044471.